The following is an entry in ClinVar:

NM_012062.5(DNM1L):c.148C>G (p.Leu50Val)

Gene: DNM1L (dynamin 1 like; plus strand). Cytogenetic location: 12p11.21.
Variant type: single nucleotide variant.
Coding change: c.148C>G on transcript NM_012062.5 (MANE Select); coding-DNA position 148, C replaced by G.
Protein change: p.Leu50Val; replaces leucine 50 with valine.
Molecular consequence: missense variant. On other transcripts: 5 prime UTR variant (1).
Genome position (GRCh38, 1-based): chr12:32,701,460, C>G. VCF-style: chr12-32701460-C-G. GRCh37 (hg19) VCF-style: chr12-32854394-C-G.
Other names: c.148C>G, p.Leu50Val (NM_001278463.2, NM_001278464.2, NM_001278465.2 and 3 more transcripts); c.-58C>G (NM_001278466.2); short protein forms L50V.
Identifiers: ClinVar variation 1962116 (VCV001962116.5), dbSNP rs772908146, ClinGen allele CA6507239.

ClinVar aggregate classification (germline): Uncertain significance (1 of 4 stars; one submission).

Allele frequency attached by ClinVar (database versions not stated): gnomAD exomes below 0.00001; ExAC 0.00001; gnomAD 0.00001; TOPMed 0.00001.
gnomAD v4.1: 5 of 1,613,534 alleles (0.00031%); highest among the groups gnomAD compares: African/African-American, 0.0053%; no homozygotes.

Submission:

Labcorp Genetics (formerly Invitae), Labcorp
Classification: Uncertain significance. Last evaluated: 2022-07-25. Review status: criteria provided, single submitter. Criteria: Invitae Variant Classification Sherloc (09022015). Collection method: clinical testing. Allele origin: germline.
Comment: In summary, the available evidence is currently insufficient to determine the role of this variant in disease. Therefore, it has been classified as a Variant of Uncertain Significance. Algorithms developed to predict the effect of missense changes on protein structure and function (SIFT, PolyPhen-2, Align-GVGD) all suggest that this variant is likely to be tolerated. This sequence change replaces leucine, which is neutral and non-polar, with valine, which is neutral and non-polar, at codon 50 of the DNM1L protein (p.Leu50Val). This variant is present in population databases (rs772908146, gnomAD 0.007%). This variant has not been reported in the literature in individuals affected with DNM1L-related conditions.